The following is an entry in ClinVar:

NM_001377540.1(SLMAP):c.1435A>G (p.Thr479Ala)

Gene: SLMAP (sarcolemma associated protein; plus strand). Cytogenetic location: 3p14.3.
Variant type: single nucleotide variant.
Coding change: c.1435A>G on transcript NM_001377540.1 (MANE Select); coding-DNA position 1435, A replaced by G.
Protein change: p.Thr479Ala; replaces threonine 479 with alanine.
Molecular consequence: missense variant. On other transcripts: 5 prime UTR variant (7), non-coding transcript variant (1).
Genome position (GRCh38, 1-based): chr3:57,896,585, A>G. VCF-style: chr3-57896585-A-G. GRCh37 (hg19) VCF-style: chr3-57882312-A-G.
Other names: c.1384A>G, p.Thr462Ala (NM_001304420.3, NM_001377541.1, NM_001377542.1 and 2 more transcripts); c.1270A>G, p.Thr424Ala (NM_001304421.2, NM_001377557.1, NM_001377559.1 and 1 more transcripts); c.-15A>G (NM_001304422.3, NM_001304423.3, NM_001311178.2 and 4 more transcripts); c.1435A>G, p.Thr479Ala (NM_001377538.1, NM_001377539.1, NM_001377555.1); c.1372A>G, p.Thr458Ala (NM_001377545.1, NM_001377922.1); c.1333A>G, p.Thr445Ala (NM_001377549.1, NM_001377923.1, NM_007159.5); c.1321A>G, p.Thr441Ala (NM_001377551.1, NM_001377552.1, NM_001377924.1); short protein forms T445A, T424A, T441A, T479A, T458A, T462A.
Identifiers: ClinVar variation 2196895 (VCV002196895.4), dbSNP rs1429521844, ClinGen allele CA353412186.

ClinVar aggregate classification (germline): Uncertain significance (1 of 4 stars; one submission).

Conditions:
Brugada syndrome. Also called: Sudden unexpected nocturnal death syndrome; Sudden Unexplained Death Syndrome; Sudden Unexplained Nocturnal Death Syndrome (SUNDS); Sudden unexplained nocturnal death syndrome. Identifiers: Orphanet 130, MedGen C1142166, MONDO:0015263.

Allele frequency attached by ClinVar (database versions not stated): gnomAD exomes below 0.00001.
gnomAD v4.1: 1 of 1,607,416 alleles (0.000062%); highest among the groups gnomAD compares: Admixed American, 0.0017%; no homozygotes.

Submission:

Labcorp Genetics (formerly Invitae), Labcorp
Classification: Uncertain significance for Brugada syndrome. Last evaluated: 2022-02-12. Review status: criteria provided, single submitter. Criteria: Invitae Variant Classification Sherloc (09022015). Collection method: clinical testing. Allele origin: germline.
Comment: This sequence change replaces threonine, which is neutral and polar, with alanine, which is neutral and non-polar, at codon 445 of the SLMAP protein (p.Thr445Ala). This variant is present in population databases (no rsID available, gnomAD 0.003%). This variant has not been reported in the literature in individuals affected with SLMAP-related conditions. Algorithms developed to predict the effect of missense changes on protein structure and function output the following: SIFT: "Tolerated"; PolyPhen-2: "Probably Damaging"; Align-GVGD: "Class C0". The alanine amino acid residue is found in multiple mammalian species, which suggests that this missense change does not adversely affect protein function. In summary, the available evidence is currently insufficient to determine the role of this variant in disease. Therefore, it has been classified as a Variant of Uncertain Significance.